The following is an entry in ClinVar:

NM_001035.3(RYR2):c.11760del (p.Thr3921fs)

Gene: RYR2 (ryanodine receptor 2; plus strand). Cytogenetic location: 1q43.
Variant type: Deletion.
Coding change: c.11760del on transcript NM_001035.3 (MANE Select); coding-DNA position 11760, one base deleted (T; older notation c.11760delT).
Protein change: p.Thr3921fs; shifts the reading frame from threonine 3921.
Molecular consequence: frameshift variant.
Genome position (GRCh38, 1-based): chr1:237,773,633, T deleted; the last of 2 consecutive T bases (chr1:237,773,632-237,773,633); deleting either gives the same sequence. VCF-style (leftmost placement, unchanged base first): chr1-237773631-CT-C. GRCh37 (hg19) VCF-style: chr1-237936931-CT-C.
Other names: short protein forms T3921fs.
Identifiers: ClinVar variation 2086281 (VCV002086281.4), dbSNP rs2527632612, ClinGen allele CA2580062430.

ClinVar aggregate classification (germline): Uncertain significance (1 of 4 stars; one submission).

Conditions:
Catecholaminergic polymorphic ventricular tachycardia 1. Also called: VENTRICULAR TACHYCARDIA, CATECHOLAMINERGIC POLYMORPHIC, 1, WITH OR WITHOUT ATRIAL DYSFUNCTION AND/OR DILATED CARDIOMYOPATHY; RYR2-Related Catecholaminergic Polymorphic Ventricular Tachycardia; VENTRICULAR TACHYCARDIA, STRESS-INDUCED POLYMORPHIC 1. Identifiers: Orphanet 3286, MedGen C1631597, MONDO:0011484, OMIM 604772.

Submission:

Labcorp Genetics (formerly Invitae), Labcorp
Classification: Uncertain significance for Catecholaminergic polymorphic ventricular tachycardia 1. Last evaluated: 2022-01-16. Review status: criteria provided, single submitter. Criteria: Invitae Variant Classification Sherloc (09022015). Collection method: clinical testing. Allele origin: germline.
Comment: This sequence change creates a premature translational stop signal (p.Thr3921Glnfs*36) in the RYR2 gene. It is expected to result in an absent or disrupted protein product. However, the current clinical and genetic evidence is not sufficient to establish whether loss-of-function variants in RYR2 cause disease. This variant is not present in population databases (gnomAD no frequency). This variant has not been reported in the literature in individuals affected with RYR2-related conditions. In summary, the available evidence is currently insufficient to determine the role of this variant in disease. Therefore, it has been classified as a Variant of Uncertain Significance.